The following is an entry in ClinVar:

ClinVar aggregate classification (germline): Uncertain significance. Review status: criteria provided, multiple submitters, no conflicts (2 of 4 stars). 2 submissions from 2 submitters: Uncertain significance (2). Last evaluated 2024-12-10.

Allele frequency attached by ClinVar (database versions not stated): ExAC 0.00007; gnomAD 0.00016 and 0.00017; gnomAD exomes 0.00024; TOPMed 0.00033.

Submissions (2):

Ambry Genetics
Classification: Uncertain significance. Last evaluated: 2024-12-10. Review status: criteria provided, single submitter. Criteria: Ambry Variant Classification Scheme 2023. Collection method: clinical testing. Allele origin: germline.

Labcorp Genetics (formerly Invitae), Labcorp
Classification: Uncertain significance. Last evaluated: 2022-09-14. Review status: criteria provided, single submitter. Criteria: Invitae Variant Classification Sherloc (09022015). Collection method: clinical testing. Allele origin: germline.
Comment: This sequence change replaces proline, which is neutral and non-polar, with arginine, which is basic and polar, at codon 509 of the FCHO1 protein (p.Pro509Arg). This variant is present in population databases (rs761738917, gnomAD 0.1%). This variant has not been reported in the literature in individuals affected with FCHO1-related conditions. ClinVar contains an entry for this variant (Variation ID: 1004510). Algorithms developed to predict the effect of missense changes on protein structure and function (SIFT, PolyPhen-2, Align-GVGD) all suggest that this variant is likely to be tolerated. In summary, the available evidence is currently insufficient to determine the role of this variant in disease. Therefore, it has been classified as a Variant of Uncertain Significance.

NM_015122.3(FCHO1):c.1526C>G (p.Pro509Arg)

Gene: FCHO1 (FCH and mu domain containing endocytic adaptor 1; plus strand). Cytogenetic location: 19p13.11.
Variant type: single nucleotide variant.
Coding change: c.1526C>G on transcript NM_015122.3 (MANE Select); coding-DNA position 1526, C replaced by G.
Protein change: p.Pro509Arg; replaces proline 509 with arginine.
Molecular consequence: missense variant. On other transcripts: non-coding transcript variant (14), intron variant (11).
Genome position (GRCh38, 1-based): chr19:17,778,783, C>G. VCF-style: chr19-17778783-C-G. GRCh37 (hg19) VCF-style: chr19-17889592-C-G.
Other names: c.1526C>G, p.Pro509Arg (NM_001161357.2, NM_001161358.2, NM_001384370.1 and 13 more transcripts); c.1376C>G, p.Pro459Arg (NM_001161359.2, NM_001384384.1, NM_001384385.1 and 1 more transcripts); c.1487C>G, p.Pro496Arg (NM_001384388.1, NM_001384389.1, NM_001384405.1); c.1451C>G, p.Pro484Arg (NM_001384390.1); c.1409C>G, p.Pro470Arg (NM_001384392.1, NM_001384393.1, NM_001384394.1 and 1 more transcripts); c.1351+555C>G (NM_001384396.1, NM_001384404.1, NM_001384398.1 and 5 more transcripts); c.1201+555C>G (NM_001384406.1); c.1058-2448C>G (NM_001384407.1); and 2 more; short protein forms P459R, P470R, P484R, P496R, P509R.
Identifiers: ClinVar variation 1004510 (VCV001004510.5), dbSNP rs761738917, ClinGen allele CA9300536.